The following is an entry in ClinVar:

ClinVar aggregate classification (germline): Pathogenic (1 of 4 stars; one submission).

Conditions:
Baller-Gerold syndrome (BGS). Also called: CRANIOSYNOSTOSIS WITH RADIAL DEFECTS. Identifiers: Orphanet 1225, MedGen C0265308, MONDO:0009039, OMIM 218600.

Allele frequency attached by ClinVar (database versions not stated): gnomAD exomes below 0.00001.

Submission:

Labcorp Genetics (formerly Invitae), Labcorp
Classification: Pathogenic for Baller-Gerold syndrome. Last evaluated: 2023-06-16. Review status: criteria provided, single submitter. Criteria: Invitae Variant Classification Sherloc (09022015). Collection method: clinical testing. Allele origin: germline.
Comment: For these reasons, this variant has been classified as Pathogenic. ClinVar contains an entry for this variant (Variation ID: 1451232). This variant has not been reported in the literature in individuals affected with RECQL4-related conditions. This variant is present in population databases (no rsID available, gnomAD 0.001%). This sequence change creates a premature translational stop signal (p.Asp808Thrfs*35) in the RECQL4 gene. It is expected to result in an absent or disrupted protein product. Loss-of-function variants in RECQL4 are known to be pathogenic (PMID: 12734318, 12952869).

Literature cited by the submitters: PubMed 12734318; PubMed 12952869.

NM_004260.4(RECQL4):c.2422del (p.Asp808fs)

Gene: RECQL4 (RecQ like helicase 4; minus strand). Cytogenetic location: 8q24.3.
Variant type: Deletion.
Coding change: c.2422del on transcript NM_004260.4 (MANE Select); coding-DNA position 2422, one base deleted (G; older notation c.2422delG).
Protein change: p.Asp808fs; shifts the reading frame from aspartic acid 808.
Molecular consequence: frameshift variant.
Genome position (GRCh38, 1-based): chr8:144,513,259, C deleted on the plus strand (G on the coding strand, the reverse complement: RECQL4 is on the minus strand). VCF-style (leftmost placement, unchanged base first): chr8-144513258-TC-T. GRCh37 (hg19) VCF-style: chr8-145738641-TC-T.
Other names: short protein forms D808fs.
Identifiers: ClinVar variation 1451232 (VCV001451232.6), dbSNP rs1257273728, ClinGen allele CA586165237.